The following is an entry in ClinVar:

NM_181882.3(PRX):c.2534C>T (p.Ala845Val)

Gene: PRX (periaxin; minus strand). Cytogenetic location: 19q13.2.
Variant type: single nucleotide variant.
Coding change: c.2534C>T on transcript NM_181882.3 (MANE Select); coding-DNA position 2534, C replaced by T.
Protein change: p.Ala845Val; replaces alanine 845 with valine.
Molecular consequence: missense variant. On other transcripts: 3 prime UTR variant (1).
Genome position (GRCh38, 1-based): chr19:40,395,818, G>A on the plus strand (C>T on the coding strand, the complement: PRX is on the minus strand). VCF-style: chr19-40395818-G-A. GRCh37 (hg19) VCF-style: chr19-40901725-G-A.
Other names: c.*2739C>T (NM_020956.2); short protein forms A845V.
Identifiers: ClinVar variation 581539 (VCV000581539.9), dbSNP rs750952608, ClinGen allele CA308418194.

ClinVar aggregate classification (germline): Uncertain significance. Review status: criteria provided, multiple submitters, no conflicts (2 of 4 stars). 2 submissions from 2 submitters: Uncertain significance (2). Last evaluated 2025-08-07.

Conditions:
Inborn genetic diseases. Identifiers: MedGen C0950123, MeSH D030342.
Charcot-Marie-Tooth disease type 4. Also called: Charcot-Marie-Tooth disease, type IV; Charcot-Marie-Tooth, Type 4. Identifiers: Orphanet 64749, MedGen C4082197, MONDO:0018995.

Allele frequency attached by ClinVar (database versions not stated): gnomAD 0.00002; TOPMed 0.00002.
gnomAD v4.1: 11 of 1,614,048 alleles (0.00068%); highest among the groups gnomAD compares: African/African-American, 0.0093%; no homozygotes.

Submissions (2):

Ambry Genetics
Classification: Uncertain significance for Inborn genetic diseases. Last evaluated: 2025-08-07. Review status: criteria provided, single submitter. Criteria: Ambry Variant Classification Scheme 2023. Collection method: clinical testing. Allele origin: germline.

Labcorp Genetics (formerly Invitae), Labcorp
Classification: Uncertain significance for Charcot-Marie-Tooth disease type 4. Last evaluated: 2022-07-08. Review status: criteria provided, single submitter. Criteria: Invitae Variant Classification Sherloc (09022015). Collection method: clinical testing. Allele origin: germline.
Comment: ClinVar contains an entry for this variant (Variation ID: 581539). Algorithms developed to predict the effect of sequence changes on RNA splicing suggest that this variant may create or strengthen a splice site. Algorithms developed to predict the effect of missense changes on protein structure and function output the following: SIFT: "Tolerated"; PolyPhen-2: "Possibly Damaging"; Align-GVGD: "Class C0". The valine amino acid residue is found in multiple mammalian species, which suggests that this missense change does not adversely affect protein function. In summary, the available evidence is currently insufficient to determine the role of this variant in disease. Therefore, it has been classified as a Variant of Uncertain Significance. This variant is present in population databases (no rsID available, gnomAD 0.02%). This variant has not been reported in the literature in individuals affected with PRX-related conditions. This sequence change replaces alanine, which is neutral and non-polar, with valine, which is neutral and non-polar, at codon 845 of the PRX protein (p.Ala845Val).